The following is an entry in ClinVar:

NM_004589.4(SCO1):c.162C>G (p.Ala54=)

Genes: SCO1 (synthesis of cytochrome C oxidase 1; minus strand), LOC112529895 (Sharpr-MPRA regulatory region 5903; plus strand). Cytogenetic location: 17p13.1.
Variant type: single nucleotide variant.
Coding change: c.162C>G on transcript NM_004589.4 (MANE Select); coding-DNA position 162, C replaced by G.
Protein change: p.Ala54=; no amino-acid change (alanine 54 retained).
Molecular consequence: synonymous variant.
Genome position (GRCh38, 1-based): chr17:10,697,346, G>C on the plus strand (C>G on the coding strand, the complement: SCO1 is on the minus strand). VCF-style: chr17-10697346-G-C. GRCh37 (hg19) VCF-style: chr17-10600663-G-C.
Identifiers: ClinVar variation 3052297 (VCV003052297.2), dbSNP rs1287874494, ClinGen allele CA497979788.
Genomic context (GRCh38, chr17:10,697,346, plus strand): 5'-GGGTGGCGGCCTCGCAGTGCTGAGGGGCCGGGTTCCCAGGCAATAGCCAGGGCGCCCCGA[G>C]GCACGCCACGCCTCCGCTTGCCGCGCGCAGAACTGCCTCAGCAAGACTCTCGCAGTCCCC-3'
Protein context (NP_004580.1, residues 44-64): FCARQAEAWR[Ala54=]SGRPGYCLGT

ClinVar aggregate classification (germline): Likely benign (0 of 4 stars; one submission).

Conditions:
SCO1-related disorder. Also called: SCO1-related disorders; SCO1-related condition.

Allele frequency attached by ClinVar (database versions not stated): gnomAD 0.00001; TOPMed 0.00001.
gnomAD v4.1: 2 of 1,580,176 alleles (0.00013%); highest among the groups gnomAD compares: Non-Finnish European, 0.00017%; no homozygotes.

Submission:

PreventionGenetics, part of Exact Sciences
Classification: Likely benign for SCO1-related condition. Last evaluated: 2020-01-20. Review status: no assertion criteria provided. Collection method: clinical testing. Allele origin: germline.
Comment: This variant is classified as likely benign based on ACMG/AMP sequence variant interpretation guidelines (Richards et al. 2015 PMID: 25741868, with internal and published modifications).